The following is an entry in ClinVar:

ClinVar aggregate classification (germline): Uncertain significance (1 of 4 stars; one submission).

Submission:

Labcorp Genetics (formerly Invitae), Labcorp
Classification: Uncertain significance. Last evaluated: 2022-11-01. Review status: criteria provided, single submitter. Criteria: Invitae Variant Classification Sherloc (09022015). Collection method: clinical testing. Allele origin: germline.
Comment: Algorithms developed to predict the effect of sequence changes on RNA splicing suggest that this variant may disrupt the consensus splice site. In summary, the available evidence is currently insufficient to determine the role of this variant in disease. Therefore, it has been classified as a Variant of Uncertain Significance. Advanced modeling of protein sequence and biophysical properties (such as structural, functional, and spatial information, amino acid conservation, physicochemical variation, residue mobility, and thermodynamic stability) performed at Invitae indicates that this missense variant is not expected to disrupt ZNF335 protein function. This sequence change replaces proline, which is neutral and non-polar, with alanine, which is neutral and non-polar, at codon 841 of the ZNF335 protein (p.Pro841Ala). This variant is not present in population databases (gnomAD no frequency). This variant has not been reported in the literature in individuals affected with ZNF335-related conditions. ClinVar contains an entry for this variant (Variation ID: 1516524).

NM_022095.4(ZNF335):c.2521C>G (p.Pro841Ala)

Gene: ZNF335 (zinc finger protein 335; minus strand). Cytogenetic location: 20q13.12.
Variant type: single nucleotide variant.
Coding change: c.2521C>G on transcript NM_022095.4 (MANE Select); coding-DNA position 2521, C replaced by G.
Protein change: p.Pro841Ala; replaces proline 841 with alanine.
Molecular consequence: missense variant.
Genome position (GRCh38, 1-based): chr20:45,953,870, G>C on the plus strand (C>G on the coding strand, the complement: ZNF335 is on the minus strand). VCF-style: chr20-45953870-G-C. GRCh37 (hg19) VCF-style: chr20-44582509-G-C.
Other names: short protein forms P841A.
Identifiers: ClinVar variation 1516524 (VCV001516524.7), dbSNP rs2145364862, ClinGen allele CA409240872.